The following is an entry in ClinVar:

ClinVar aggregate classification (germline): Uncertain significance (1 of 4 stars; one submission).

Allele frequency attached by ClinVar (database versions not stated): TOPMed below 0.00001; gnomAD exomes below 0.00001.
gnomAD v4.1: 1 of 1,614,172 alleles (0.000062%); highest among the groups gnomAD compares: Non-Finnish European, 0.000085%; no homozygotes.

Submission:

Labcorp Genetics (formerly Invitae), Labcorp
Classification: Uncertain significance. Last evaluated: 2025-03-16. Review status: criteria provided, single submitter. Criteria: Invitae Variant Classification Sherloc (09022015). Collection method: clinical testing. Allele origin: germline.
Comment: This sequence change replaces proline, which is neutral and non-polar, with serine, which is neutral and polar, at codon 1153 of the COL4A1 protein (p.Pro1153Ser). This variant is not present in population databases (gnomAD no frequency). This variant has not been reported in the literature in individuals affected with COL4A1-related conditions. ClinVar contains an entry for this variant (Variation ID: 3016867). Invitae Evidence Modeling of protein sequence and biophysical properties (such as structural, functional, and spatial information, amino acid conservation, physicochemical variation, residue mobility, and thermodynamic stability) indicates that this missense variant is not expected to disrupt COL4A1 protein function with a negative predictive value of 95%. In summary, the available evidence is currently insufficient to determine the role of this variant in disease. Therefore, it has been classified as a Variant of Uncertain Significance.

NM_001845.6(COL4A1):c.3457C>T (p.Pro1153Ser)

Gene: COL4A1 (collagen type IV alpha 1 chain; minus strand). Cytogenetic location: 13q34.
Variant type: single nucleotide variant.
Coding change: c.3457C>T on transcript NM_001845.6 (MANE Select); coding-DNA position 3457, C replaced by T.
Protein change: p.Pro1153Ser; replaces proline 1153 with serine.
Molecular consequence: missense variant.
Genome position (GRCh38, 1-based): chr13:110,173,948, G>A on the plus strand (C>T on the coding strand, the complement: COL4A1 is on the minus strand). VCF-style: chr13-110173948-G-A. GRCh37 (hg19) VCF-style: chr13-110826295-G-A.
Other names: short protein forms P1153S.
Identifiers: ClinVar variation 3016867 (VCV003016867.3), dbSNP rs1877759640, ClinGen allele CA388664198.